The following is an entry in ClinVar:

NM_001042492.3(NF1):c.4319A>G (p.Lys1440Arg)

Gene: NF1 (neurofibromin 1; plus strand). Cytogenetic location: 17q11.2.
Variant type: single nucleotide variant.
Coding change: c.4319A>G on transcript NM_001042492.3 (MANE Select); coding-DNA position 4319, A replaced by G.
Protein change: p.Lys1440Arg; replaces lysine 1440 with arginine.
Molecular consequence: missense variant.
Genome position (GRCh38, 1-based): chr17:31,258,489, A>G. VCF-style: chr17-31258489-A-G. GRCh37 (hg19) VCF-style: chr17-29585507-A-G.
Other names: c.4256A>G, p.Lys1419Arg (NM_000267.4); short protein forms K1419R, K1440R.
Identifiers: ClinVar variation 68343 (VCV000068343.6), dbSNP rs199474788, ClinGen allele CA219554.

ClinVar aggregate classification (germline): Uncertain significance. Review status: criteria provided, single submitter (1 of 4 stars). 2 submissions from 2 submitters: Uncertain significance (1). 1 of the submissions does not count toward it. Last evaluated 2020-12-21.

Conditions:
Neurofibromatosis, type 1 (NF1). Also called: Peripheral type neurofibromatosis; VON RECKLINGHAUSEN DISEASE; NEUROFIBROMATOSIS, TYPE I, SOMATIC; Neurofibromatosis, type I. Identifiers: Orphanet 636, MedGen C0027831, MONDO:0018975, OMIM 162200. Disease mechanism: loss of function.

Submissions (2):

Labcorp Genetics (formerly Invitae), Labcorp
Classification: Uncertain significance for Neurofibromatosis, type 1. Last evaluated: 2020-12-21. Review status: criteria provided, single submitter. Criteria: Invitae Variant Classification Sherloc (09022015). Collection method: clinical testing. Allele origin: germline.
Comment: This variant is not present in population databases (ExAC no frequency). In summary, the available evidence is currently insufficient to determine the role of this variant in disease. Therefore, it has been classified as a Variant of Uncertain Significance. This variant disrupts the p.Lys1419 amino acid residue in NF1. Other variant(s) that disrupt this residue have been determined to be pathogenic (Invitae). This suggests that this residue is clinically significant, and that variants that disrupt this residue are likely to be disease-causing. Advanced modeling of protein sequence and biophysical properties (such as structural, functional, and spatial information, amino acid conservation, physicochemical variation, residue mobility, and thermodynamic stability) performed at Invitae indicates that this missense variant is expected to disrupt NF1 protein function. This variant has been observed in individual(s) with clinical features of neurofibromatosis, type 1 (PMID: 7981679). ClinVar contains an entry for this variant (Variation ID: 68343). This sequence change replaces lysine with arginine at codon 1419 of the NF1 protein (p.Lys1419Arg). The lysine residue is moderately conserved and there is a small physicochemical difference between lysine and arginine.

UniProtKB/Swiss-Prot
No classification provided. Review status: no classification provided. Collection method: not provided. Allele origin: not provided. Not counted in ClinVar's aggregate classification.

Literature cited by the submitters: PubMed 7981679 (cited by Labcorp Genetics (formerly Invitae), Labcorp).